The following is an entry in ClinVar:

NM_000548.5(TSC2):c.1866G>T (p.Arg622=)

Gene: TSC2 (TSC complex subunit 2; plus strand). Cytogenetic location: 16p13.3.
Variant type: single nucleotide variant.
Coding change: c.1866G>T on transcript NM_000548.5 (MANE Select); coding-DNA position 1866, G replaced by T.
Protein change: p.Arg622=; no amino-acid change (arginine 622 retained).
Molecular consequence: synonymous variant.
Genome position (GRCh38, 1-based): chr16:2,071,536, G>T. VCF-style: chr16-2071536-G-T. GRCh37 (hg19) VCF-style: chr16-2121537-G-T.
Other names: c.1866G>T, p.Arg622= (NM_001077183.3, NM_001114382.3, NM_001363528.2 and 3 more transcripts); c.1755G>T, p.Arg585= (NM_001318827.2); c.1719G>T, p.Arg573= (NM_001318829.2); c.1266G>T, p.Arg422= (NM_001318831.2); c.1899G>T, p.Arg633= (NM_001318832.2); c.1866G>T (NM_000548.3).
Identifiers: ClinVar variation 1114386 (VCV001114386.11), dbSNP rs1397060903, ClinGen allele CA492950293.

ClinVar aggregate classification (germline): Benign/Likely benign. Review status: criteria provided, multiple submitters, no conflicts (2 of 4 stars). 3 submissions from 3 submitters: Benign (1); Likely benign (2). Last evaluated 2026-08-24.

Conditions:
Tuberous sclerosis 2 (TSC2). Identifiers: Orphanet 805, MedGen C1860707, MONDO:0013199, OMIM 613254.
Hereditary cancer-predisposing syndrome. Also called: Neoplastic Syndromes, Hereditary; Tumor predisposition; Hereditary Cancer Syndrome; Hereditary neoplastic syndrome. Identifiers: Orphanet 140162, MedGen C0027672, MeSH D009386, MONDO:0015356.

Allele frequency attached by ClinVar (database versions not stated): gnomAD exomes below 0.00001; TOPMed 0.00001.
gnomAD v4.1: 1 of 1,613,634 alleles (0.000062%); highest among the groups gnomAD compares: Admixed American, 0.0017%; no homozygotes.

Submissions (3):

Ambry Genetics
Classification: Likely benign for Hereditary cancer-predisposing syndrome. Last evaluated: 2026-08-24. Review status: criteria provided, single submitter. Criteria: Ambry Variant Classification Scheme 2023. Collection method: clinical testing. Allele origin: germline.

Labcorp Genetics (formerly Invitae), Labcorp
Classification: Likely benign for Tuberous sclerosis 2. Last evaluated: 2025-11-12. Review status: criteria provided, single submitter. Criteria: Invitae Variant Classification Sherloc (09022015). Collection method: clinical testing. Allele origin: germline.

Myriad Genetics, Inc.
Classification: Benign for Tuberous sclerosis 2. Last evaluated: 2025-05-16. Review status: criteria provided, single submitter. Criteria: Myriad Autosomal Dominant, Autosomal Recessive and X-Linked Classification Criteria (2023). Collection method: clinical testing. Allele origin: unknown.
Comment: This variant is considered benign. This variant is a silent/synonymous amino acid change and it is not expected to impact splicing.